The following is an entry in ClinVar:

NM_001377229.1(DISP1):c.2361C>T (p.Ile787=)

Gene: DISP1 (dispatched RND transporter family member 1; plus strand). Cytogenetic location: 1q41.
Variant type: single nucleotide variant.
Coding change: c.2361C>T on transcript NM_001377229.1 (MANE Select); coding-DNA position 2361, C replaced by T.
Protein change: p.Ile787=; no amino-acid change (isoleucine 787 retained).
Molecular consequence: synonymous variant.
Genome position (GRCh38, 1-based): chr1:223,003,758, C>T. VCF-style: chr1-223003758-C-T. GRCh37 (hg19) VCF-style: chr1-223177100-C-T.
Other names: c.1632C>T, p.Ile544= (NM_001350630.2); c.2361C>T, p.Ile787= (NM_001369594.1, NM_001377228.1, NM_032890.5).
Identifiers: ClinVar variation 5040270 (VCV005040270.1).

ClinVar aggregate classification (germline): Likely benign (1 of 4 stars; one submission).

gnomAD v4.1: 6 of 1,614,166 alleles (0.00037%); highest among the groups gnomAD compares: Admixed American, 0.0083%; no homozygotes.

Submission:

CeGaT Center for Human Genetics Tuebingen
Classification: Likely benign. Last evaluated: 2026-07-01. Review status: criteria provided, single submitter. Criteria: CeGaT Center For Human Genetics Tuebingen Variant Classification Criteria Version 2. Collection method: clinical testing. Allele origin: germline. Affected: yes. Observed: 1 variant allele.
Comment: DISP1: BP4, BP7